The following is an entry in ClinVar:

NM_020822.3(KCNT1):c.686C>T (p.Pro229Leu)

Gene: KCNT1 (potassium sodium-activated channel subfamily T member 1; plus strand). Cytogenetic location: 9q34.3.
Variant type: single nucleotide variant.
Coding change: c.686C>T on transcript NM_020822.3 (MANE Select); coding-DNA position 686, C replaced by T.
Protein change: p.Pro229Leu; replaces proline 229 with leucine.
Molecular consequence: missense variant.
Genome position (GRCh38, 1-based): chr9:135,757,308, C>T. VCF-style: chr9-135757308-C-T. GRCh37 (hg19) VCF-style: chr9-138649154-C-T.
Other names: c.542C>T, p.Pro181Leu (NM_001272003.2); short protein forms P229L, P181L.
Identifiers: ClinVar variation 2923505 (VCV002923505.3), dbSNP rs779498481, ClinGen allele CA5326598.
Genomic context (GRCh38, chr9:135,757,308, plus strand): 5'-GCCAGGAGTGCGGGCCCTGGAGCCCCAGCCCTGACCTGTCCCCTTCACAGATCTTCTGGC[C>T]GCCGCTGCGGAACCTGTTCATCCCCGTCTTTCTGAACTGCTGGCTGGCCAAGCACGCGCT-3'
Protein context (NP_065873.2, residues 219-239): TLPFIITIFW[Pro229Leu]PLRNLFIPVF

ClinVar aggregate classification (germline): Uncertain significance (1 of 4 stars; one submission).

Conditions:
Autosomal dominant nocturnal frontal lobe epilepsy 5. Also called: KCNT1-Related Epilepsy; CILIARY DYSKINESIA, PRIMARY, 28, WITH SITUS INVERSUS; CILIARY DYSKINESIA, PRIMARY, 28, WITHOUT SITUS INVERSUS; Epilepsy, nocturnal frontal lobe, 5. Identifiers: Orphanet 98784, MedGen C3554306, MONDO:0014002, OMIM 615005.
Developmental and epileptic encephalopathy, 14 (DEE14). Also called: Early infantile epileptic encephalopathy 14. Identifiers: Orphanet 293181, MedGen C3554195, MONDO:0013989, OMIM 614959.

Allele frequency attached by ClinVar (database versions not stated): gnomAD exomes below 0.00001; ExAC 0.00001; gnomAD 0.00002; TOPMed 0.00002.
gnomAD v4.1: 7 of 1,612,272 alleles (0.00043%); highest among the groups gnomAD compares: East Asian, 0.0022%; no homozygotes.

Submission:

Labcorp Genetics (formerly Invitae), Labcorp
Classification: Uncertain significance for Autosomal dominant nocturnal frontal lobe epilepsy 5; Developmental and epileptic encephalopathy, 14. Last evaluated: 2024-02-12. Review status: criteria provided, single submitter. Criteria: Invitae Variant Classification Sherloc (09022015). Collection method: clinical testing. Allele origin: germline.
Comment: This sequence change replaces proline, which is neutral and non-polar, with leucine, which is neutral and non-polar, at codon 229 of the KCNT1 protein (p.Pro229Leu). This variant is present in population databases (rs779498481, gnomAD 0.005%). This variant has not been reported in the literature in individuals affected with KCNT1-related conditions. Advanced modeling of protein sequence and biophysical properties (such as structural, functional, and spatial information, amino acid conservation, physicochemical variation, residue mobility, and thermodynamic stability) performed at Invitae indicates that this missense variant is not expected to disrupt KCNT1 protein function with a negative predictive value of 80%. In summary, the available evidence is currently insufficient to determine the role of this variant in disease. Therefore, it has been classified as a Variant of Uncertain Significance.